The following is an entry in ClinVar:

ClinVar aggregate classification (germline): Uncertain significance. Review status: criteria provided, multiple submitters, no conflicts (2 of 4 stars). 2 submissions from 2 submitters: Uncertain significance (2). Last evaluated 2023-10-11.

Conditions:
L-2-hydroxyglutaric aciduria (L2HGA). Identifiers: Orphanet 79314, MedGen C1855995, MONDO:0009370, OMIM 236792, HP:0040144.

Allele frequency attached by ClinVar (database versions not stated): gnomAD exomes 0.00005; gnomAD 0.00001; TOPMed below 0.00001.
gnomAD v4.1: 66 of 1,575,112 alleles (0.0042%); highest among the groups gnomAD compares: Non-Finnish European, 0.0055%; no homozygotes.

Submissions (2):

Mayo Clinic Laboratories, Mayo Clinic
Classification: Uncertain significance. Last evaluated: 2023-10-11. Review status: criteria provided, single submitter. Criteria: ACMG Guidelines, 2015. Collection method: clinical testing. Allele origin: germline. Observed: 1 variant allele.
Comment: BP4, PM2_moderate

Labcorp Genetics (formerly Invitae), Labcorp
Classification: Uncertain significance for L-2-hydroxyglutaric aciduria. Last evaluated: 2022-04-28. Review status: criteria provided, single submitter. Criteria: Invitae Variant Classification Sherloc (09022015). Collection method: clinical testing. Allele origin: germline.
Comment: This sequence change replaces serine, which is neutral and polar, with asparagine, which is neutral and polar, at codon 41 of the L2HGDH protein (p.Ser41Asn). This variant is present in population databases (no rsID available, gnomAD 0.006%). This variant has not been reported in the literature in individuals affected with L2HGDH-related conditions. Algorithms developed to predict the effect of missense changes on protein structure and function (SIFT, PolyPhen-2, Align-GVGD) all suggest that this variant is likely to be tolerated. In summary, the available evidence is currently insufficient to determine the role of this variant in disease. Therefore, it has been classified as a Variant of Uncertain Significance.

NM_024884.3(L2HGDH):c.122G>A (p.Ser41Asn)

Genes: DMAC2L (distal membrane arm assembly component 2 like; plus strand), L2HGDH (L-2-hydroxyglutarate dehydrogenase; minus strand). Cytogenetic location: 14q21.3.
Variant type: single nucleotide variant.
Coding change: c.122G>A on transcript NM_024884.3 (MANE Select); coding-DNA position 122, G replaced by A.
Protein change: p.Ser41Asn; replaces serine 41 with asparagine.
Molecular consequence: missense variant. On other transcripts: 5 prime UTR variant (6), intron variant (1).
Genome position (GRCh38, 1-based): chr14:50,312,029, C>T on the plus strand (G>A on the coding strand, the complement: L2HGDH is on the minus strand). VCF-style: chr14-50312029-C-T. GRCh37 (hg19) VCF-style: chr14-50778747-C-T.
Other names: p.Ser41Asn; c.-133G>A (NM_001425214.1, NM_001425213.1); c.-647G>A (NM_001425215.1); c.-489G>A (NM_001425216.1); c.-582G>A (NM_001425217.1); c.-504G>A (NM_001425218.1); c.-6+175C>T (NM_001382509.1); c.122G>A, p.Ser41Asn (NM_001425212.1); short protein forms S41N.
Identifiers: ClinVar variation 1906528 (VCV001906528.3), dbSNP rs973194152, ClinGen allele CA260733594.
Genomic context (GRCh38, chr14:50,312,029, plus strand): 5'-GGGCAGCAGCGCAGGCGGCGGGGAGGACCAGCGGCCACTCACCTGGTGCTGGCGCTGCGG[C>T]TACCTCCACACAGCGGTCTTGGCCTCCCAGACGCGAACCCGCACGCCCCAGGGGAGCCAC-3'
Protein context (NP_079160.1, residues 31-51): SGRPRPLCGG[Ser41Asn]RSASTSSFDI